The following is an entry in ClinVar:

ClinVar aggregate classification (germline): Pathogenic (1 of 4 stars; one submission).

Allele frequency attached by ClinVar (database versions not stated): gnomAD exomes below 0.00001; TOPMed below 0.00001; ExAC 0.00001.

Submission:

Labcorp Genetics (formerly Invitae), Labcorp
Classification: Pathogenic. Last evaluated: 2023-10-07. Review status: criteria provided, single submitter. Criteria: Invitae Variant Classification Sherloc (09022015). Collection method: clinical testing. Allele origin: germline.
Comment: This sequence change creates a premature translational stop signal (p.Asn1154Ilefs*5) in the C2CD3 gene. It is expected to result in an absent or disrupted protein product. Loss-of-function variants in C2CD3 are known to be pathogenic (PMID: 24997988, 26477546). This variant is present in population databases (rs771250864, gnomAD 0.003%). This variant has not been reported in the literature in individuals affected with C2CD3-related conditions. For these reasons, this variant has been classified as Pathogenic.

Literature cited by the submitters: PubMed 24997988; PubMed 26477546.

NM_001286577.2(C2CD3):c.3459_3460dup (p.Asn1154fs)

Gene: C2CD3 (C2 domain containing 3 centriole elongation regulator; minus strand). Cytogenetic location: 11q13.4.
Variant type: Duplication.
Coding change: c.3459_3460dup on transcript NM_001286577.2 (MANE Select); coding-DNA positions 3459 to 3460, 2 bases duplicated (TA; older notation c.3459_3460dupTA).
Protein change: p.Asn1154fs; shifts the reading frame from asparagine 1154.
Molecular consequence: frameshift variant.
Genome position (GRCh38, 1-based): chr11:74,092,473-74,092,474, TA duplicated on the plus strand (TA on the coding strand, the reverse complement: C2CD3 is on the minus strand). VCF-style (leftmost placement, unchanged base first): chr11-74092472-T-TTA. GRCh37 (hg19) VCF-style: chr11-73803517-T-TTA.
Other names: c.3459_3460dup, p.Asn1154fs (NM_015531.6); short protein forms N1154fs.
Identifiers: ClinVar variation 2720824 (VCV002720824.3), dbSNP rs771250864, ClinGen allele CA6182390.